The following is an entry in ClinVar:

ClinVar aggregate classification (germline): Uncertain significance. Review status: criteria provided, multiple submitters, no conflicts (2 of 4 stars). 2 submissions from 2 submitters: Uncertain significance (2). Last evaluated 2022-05-05.

Conditions:
Purine-nucleoside phosphorylase deficiency. Also called: NUCLEOSIDE PHOSPHORYLASE DEFICIENCY; Immunodeficiency due to purine nucleoside phosphorylase deficiency. Identifiers: Orphanet 760, MedGen C0268125, MONDO:0013171, OMIM 613179.

Allele frequency attached by ClinVar (database versions not stated): gnomAD exomes 0.00001 and 0.00002; gnomAD 0.00002; TOPMed 0.00003.
gnomAD v4.1: 33 of 1,614,098 alleles (0.002%); highest among the groups gnomAD compares: African/African-American, 0.008%; no homozygotes.

Submissions (2):

Labcorp Genetics (formerly Invitae), Labcorp
Classification: Uncertain significance for Purine-nucleoside phosphorylase deficiency. Last evaluated: 2022-05-05. Review status: criteria provided, single submitter. Criteria: Invitae Variant Classification Sherloc (09022015). Collection method: clinical testing. Allele origin: germline.
Comment: This sequence change replaces arginine, which is basic and polar, with histidine, which is basic and polar, at codon 185 of the PNP protein (p.Arg185His). This variant is present in population databases (no rsID available, gnomAD 0.006%). This variant has not been reported in the literature in individuals affected with PNP-related conditions. ClinVar contains an entry for this variant (Variation ID: 577339). Algorithms developed to predict the effect of missense changes on protein structure and function (SIFT, PolyPhen-2, Align-GVGD) all suggest that this variant is likely to be tolerated. In summary, the available evidence is currently insufficient to determine the role of this variant in disease. Therefore, it has been classified as a Variant of Uncertain Significance.

Revvity Omics, Revvity
Classification: Uncertain significance for Purine-nucleoside phosphorylase deficiency. Last evaluated: 2020-12-13. Review status: criteria provided, single submitter. Criteria: ACMG Guidelines, 2015. Collection method: clinical testing. Allele origin: germline.

NM_000270.4(PNP):c.554G>A (p.Arg185His)

Gene: PNP (purine nucleoside phosphorylase; plus strand). Cytogenetic location: 14q11.2.
Variant type: single nucleotide variant.
Coding change: c.554G>A on transcript NM_000270.4 (MANE Select); coding-DNA position 554, G replaced by A.
Protein change: p.Arg185His; replaces arginine 185 with histidine.
Molecular consequence: missense variant.
Genome position (GRCh38, 1-based): chr14:20,475,154, G>A. VCF-style: chr14-20475154-G-A. GRCh37 (hg19) VCF-style: chr14-20943313-G-A.
Other names: short protein forms R185H.
Identifiers: ClinVar variation 577339 (VCV000577339.8), dbSNP rs963944697, ClinGen allele CA257418270.